The following is an entry in ClinVar:

ClinVar aggregate classification (germline): Likely benign (0 of 4 stars; one submission).

Conditions:
SEMA3B-related disorder. Also called: SEMA3B-related condition.

gnomAD v4.1: 3 of 1,569,864 alleles (0.00019%); highest among the groups gnomAD compares: Admixed American, 0.0038%; no homozygotes.

Submission:

PreventionGenetics, part of Exact Sciences
Classification: Likely benign for SEMA3B-related condition. Last evaluated: 2024-08-12. Review status: no assertion criteria provided. Collection method: clinical testing. Allele origin: germline.
Comment: This variant is classified as likely benign based on ACMG/AMP sequence variant interpretation guidelines (Richards et al. 2015 PMID: 25741868, with internal and published modifications).

NM_001290060.2(SEMA3B):c.1305G>C (p.Ala435=)

Gene: SEMA3B (semaphorin 3B; plus strand). Cytogenetic location: 3p21.31.
Variant type: single nucleotide variant.
Coding change: c.1305G>C on transcript NM_001290060.2 (MANE Select); coding-DNA position 1305, G replaced by C.
Protein change: p.Ala435=; no amino-acid change (alanine 435 retained).
Molecular consequence: synonymous variant. On other transcripts: non-coding transcript variant (1).
Genome position (GRCh38, 1-based): chr3:50,274,530, G>C. VCF-style: chr3-50274530-G-C. GRCh37 (hg19) VCF-style: chr3-50311961-G-C.
Other names: c.1302G>C, p.Ala434= (NM_001005914.3); c.1320G>C, p.Ala440= (NM_001290061.1); c.276G>C, p.Ala92= (NM_001290062.2, NM_001290063.2); c.1305G>C, p.Ala435= (NM_004636.4).
Identifiers: ClinVar variation 3347152 (VCV003347152.1).
Genomic context (GRCh38, chr3:50,274,530, plus strand): 5'-TGGGGGGCGCCCTCTTTTCCTACAAGTTGGAGCCAATTACACCTTCACTCAAATTGCCGC[G>C]GACCGGGTTGCAGCCGCTGACGGACACTATGACGTCCTCTTCATTGGCACAGGTCAGGGT-3'
Protein context (NP_001276989.1, residues 425-445): GANYTFTQIA[Ala435=]DRVAAADGHY